The following is an entry in ClinVar:

ClinVar aggregate classification (germline): Uncertain significance (1 of 4 stars; one submission).

Conditions:
Malignant hyperthermia, susceptibility to, 5 (MHS5). Also called: CACNA1S-Related Malignant Hyperthermia Susceptibility. Identifiers: Orphanet 423, MedGen C1866077, MONDO:0011163, OMIM 601887.

Submission:

Color Diagnostics, LLC DBA Color Health
Classification: Uncertain significance for Malignant hyperthermia, susceptibility to, 5. Last evaluated: 2025-07-07. Review status: criteria provided, single submitter. Criteria: ACMG Guidelines, 2015. Collection method: clinical testing. Allele origin: germline.
Comment: This missense variant replaces phenylalanine with tyrosine at codon 1598 of the CACNA1S protein. Computational prediction suggests that this variant may not impact protein structure and function. To our knowledge, functional studies have not been reported for this variant. This variant has not been reported in individuals affected with CACNA1S-related disorders in the literature. This variant has not been identified in the general population by the Genome Aggregation Database (gnomAD). The available evidence is insufficient to determine the role of this variant in disease conclusively. Therefore, this variant is classified as a Variant of Uncertain Significance.

NM_000069.3(CACNA1S):c.4793T>A (p.Phe1598Tyr)

Gene: CACNA1S (calcium voltage-gated channel subunit alpha1 S; minus strand). Cytogenetic location: 1q32.1.
Variant type: single nucleotide variant.
Coding change: c.4793T>A on transcript NM_000069.3 (MANE Select); coding-DNA position 4793, T replaced by A.
Protein change: p.Phe1598Tyr; replaces phenylalanine 1598 with tyrosine.
Molecular consequence: missense variant.
Genome position (GRCh38, 1-based): chr1:201,044,332, A>T on the plus strand (T>A on the coding strand, the complement: CACNA1S is on the minus strand). VCF-style: chr1-201044332-A-T. GRCh37 (hg19) VCF-style: chr1-201013460-A-T.
Other names: short protein forms F1598Y.
Identifiers: ClinVar variation 4757539 (VCV004757539.1).
Genomic context (GRCh38, chr1:201,044,332, plus strand): 5'-AGACACTGCCACTCATGGTGTCTAGACCACTAGGGGTGCTCCTGGCTCTCCCTCACCCGG[A>T]ATATTCCCTCCTCCATCGCAGCCTCCACCATGGCTCTCTCCAGCTCCTCCTCAGCAGCCA-3'
Protein context (NP_000060.2, residues 1588-1608): MVEAAMEEGI[Phe1598Tyr]RRTGGLFGQV